The following is an entry in ClinVar:

NM_024685.4(BBS10):c.1677C>T (p.Tyr559=)

Gene: BBS10 (Bardet-Biedl syndrome 10; minus strand). Cytogenetic location: 12q21.2.
Variant type: single nucleotide variant.
Coding change: c.1677C>T on transcript NM_024685.4 (MANE Select); coding-DNA position 1677, C replaced by T.
Protein change: p.Tyr559=; no amino-acid change (tyrosine 559 retained).
Molecular consequence: synonymous variant.
Genome position (GRCh38, 1-based): chr12:76,346,308, G>A on the plus strand (C>T on the coding strand, the complement: BBS10 is on the minus strand). VCF-style: chr12-76346308-G-A. GRCh37 (hg19) VCF-style: chr12-76740088-G-A.
Other names: c.1677C>T (NM_024685.3).
Identifiers: ClinVar variation 1138954 (VCV001138954.12), dbSNP rs375413604, ClinGen allele CA6694125.

ClinVar aggregate classification (germline): Likely benign. Review status: criteria provided, multiple submitters, no conflicts (2 of 4 stars). 3 submissions from 3 submitters: Likely benign (2). 1 of the submissions does not count toward it. Last evaluated 2025-03-17.

Conditions:
BBS10-related disorder. Also called: BBS10-related condition.
Bardet-Biedl syndrome (BBS). Identifiers: Orphanet 110, MedGen C0752166, MONDO:0015229.

Submissions (3):

Labcorp Genetics (formerly Invitae), Labcorp
Classification: Likely benign for Bardet-Biedl syndrome. Last evaluated: 2025-03-17. Review status: criteria provided, single submitter. Criteria: Invitae Variant Classification Sherloc (09022015). Collection method: clinical testing. Allele origin: germline.

Blueprint Genetics
Classification: Likely benign. Last evaluated: 2023-11-09. Review status: criteria provided, single submitter. Criteria: ACMG Guidelines, 2015. Collection method: clinical testing. Allele origin: germline.

PreventionGenetics, part of Exact Sciences
Classification: Likely benign for BBS10-related condition. Last evaluated: 2021-08-03. Review status: no assertion criteria provided. Collection method: clinical testing. Allele origin: germline. Not counted in ClinVar's aggregate classification.
Comment: This variant is classified as likely benign based on ACMG/AMP sequence variant interpretation guidelines (Richards et al. 2015 PMID: 25741868, with internal and published modifications).